The following is an entry in ClinVar:

NM_001130987.2(DYSF):c.4694A>C (p.Lys1565Thr)

Gene: DYSF (dysferlin; plus strand). Cytogenetic location: 2p13.2.
Variant type: single nucleotide variant.
Coding change: c.4694A>C on transcript NM_001130987.2 (MANE Select); coding-DNA position 4694, A replaced by C.
Protein change: p.Lys1565Thr; replaces lysine 1565 with threonine.
Molecular consequence: missense variant.
Genome position (GRCh38, 1-based): chr2:71,656,229, A>C. VCF-style: chr2-71656229-A-C. GRCh37 (hg19) VCF-style: chr2-71883359-A-C.
Other names: NM_003494.3(DYSF):c.4577A>C; c.4580A>C, p.Lys1527Thr (NM_001130455.2); c.4535A>C, p.Lys1512Thr (NM_001130976.2); c.4598A>C, p.Lys1533Thr (NM_001130977.2); c.4640A>C, p.Lys1547Thr (NM_001130978.2); c.4670A>C, p.Lys1557Thr (NM_001130979.2); c.4628A>C, p.Lys1543Thr (NM_001130980.2); c.4691A>C, p.Lys1564Thr (NM_001130981.2); and 6 more; short protein forms K1526T, K1547T, K1565T, K1512T, K1527T, K1544T, K1558T, K1557T.
Identifiers: ClinVar variation 94327 (VCV000094327.28), dbSNP rs76086153, ClinGen allele CA207041.
Genomic context (GRCh38, chr2:71,656,229, plus strand): 5'-ACACACAGCTGGAGAATGTGGAGGCCTTTGAGGGCCTGTCTGACTTTTGTAACACCTTCA[A>C]GCTGTACCGGGGCAAGACGCAGGAGGAGACAGAAGATCCATCTGTGATTGGTGAATTTAA-3'
Protein context (NP_001124459.1, residues 1555-1575): EGLSDFCNTF[Lys1565Thr]LYRGKTQEET

ClinVar aggregate classification (germline): Likely benign. Review status: reviewed by expert panel (3 of 4 stars). 9 submissions from 9 submitters: Likely benign (1). 8 of the submissions do not count toward it. Last evaluated 2025-01-08.

Conditions:
DYSF-related disorder. Also called: DYSF-related disorders; DYSF-related condition.
Autosomal recessive limb-girdle muscular dystrophy. Identifiers: Orphanet 102015, MedGen C2931907, MONDO:0015152.
Neuromuscular disease caused by qualitative or quantitative defects of dysferlin. Also called: Qualitative or quantitative defects of dysferlin; Dysferlinopathy. Identifiers: Orphanet 207073, MedGen C2931687, MONDO:0016145.
Autosomal recessive limb-girdle muscular dystrophy type 2B (LGMDR2). Also called: MUSCULAR DYSTROPHY, LIMB-GIRDLE, TYPE 3; Limb-Girdle Muscular Dystrophy Type 2B (LGMD2B); MUSCULAR DYSTROPHY, LIMB-GIRDLE, AUTOSOMAL RECESSIVE 2; Limb-girdle muscular dystrophy, type 2B. Identifiers: Orphanet 268, MedGen C1850889, MONDO:0009676, OMIM 253601.

Allele frequency attached by ClinVar (database versions not stated): 1000 Genomes Project 0.00040; TOPMed 0.00074; ExAC 0.00020; 1000 Genomes Project 30x 0.00078; gnomAD exomes 0.00012; gnomAD 0.00080; ESP Exome Variant Server 0.00077.
gnomAD v4.1: 150 of 1,614,200 alleles (0.0093%); highest among the groups gnomAD compares: African/African-American, 0.19%; 1 homozygote.

Submissions (9):

ClinGen Limb Girdle Muscular Dystrophy Variant Curation Expert Panel, ClinGen
Classification: Likely benign for Autosomal recessive limb-girdle muscular dystrophy. Last evaluated: 2025-01-08. Review status: reviewed by expert panel. Criteria: ClinGen LGMD VCEP ACMG Specifications DYSF V1.0.0. Collection method: curation. Allele origin: germline. Inheritance: Autosomal recessive inheritance.
Comment: The NM_003494.4: c.4577A>C variant in DYSF, which is also known as NM_001130987.2: c.4694A>C p.(Lys1565Thr), is a missense variant predicted to cause substitution of lysine by threonine at amino acid 1526, p.(Lys1526Thr). This variant has been observed in cis with the variant NM_003494.4: c.2643+1G>A, which is classified as pathogenic by the ClinGen LGMD VCEP, in multiple individuals (PMID: 18853459, 30564623, 33927379, 36983702) (BP2). The filtering allele frequency for this variant is 0.001995 for African/African American genome chromosomes in gnomAD v2.1.1 (the lower threshold of the 95% CI of 25/8710), which is greater than the ClinGen LGMD VCEP threshold >0.001 for BS1, and therefore meets this criterion (BS1). The computational predictor REVEL gives a score of 0.71, which exceeds the VCEP threshold of ≥0.70, evidence that correlates with impact to DYSF function (PP3). In summary, this variant meets the criteria to be classified as Likely Benign for autosomal recessive limb girdle muscular dystrophy. Although there are both pathogenic and benign types of evidence for this variant, the predictive pathogenic evidence is not considered inconsistent with the final classification. ACMG/AMP criteria applied, as specified by the ClinGen LGMD VCEP (LGMD VCEP specifications version 1.0.0; 01/08/2025): BS1, BP2, PP3.

Labcorp Genetics (formerly Invitae), Labcorp
Classification: Likely benign for Neuromuscular disease caused by qualitative or quantitative defects of dysferlin. Last evaluated: 2026-01-21. Review status: criteria provided, single submitter. Criteria: Invitae Variant Classification Sherloc (09022015). Collection method: clinical testing. Allele origin: germline. Not counted in ClinVar's aggregate classification.

Blueprint Genetics
Classification: Uncertain significance. Last evaluated: 2024-09-13. Review status: criteria provided, single submitter. Criteria: ACMG Guidelines, 2015. Collection method: clinical testing. Allele origin: germline. Not counted in ClinVar's aggregate classification.

PreventionGenetics, part of Exact Sciences
Classification: Uncertain significance for DYSF-related condition. Last evaluated: 2023-04-28. Review status: criteria provided, single submitter. Criteria: ACMG Guidelines, 2015. Collection method: clinical testing. Allele origin: germline. Not counted in ClinVar's aggregate classification.
Comment: The DYSF c.4577A>C variant is predicted to result in the amino acid substitution p.Lys1526Thr. This variant was reported in the homozygous state in one patient with limb-girdle muscular dystrophy who was also found to be homozygous for the c.2643+1G>A splice variant (Krahn et al. 2009. PubMed ID: 18853459). At PreventionGenetics, we have seen the c.4577A>C variant in four other patients; however, three of these patients also carried the c.2643+1G>A variant in the same zygosity (i.e., heterozygous or homozygous) as the c.4577A>C variant. Furthermore, the c.4577A>C variant is present at a similar allele frequency (~0.2%) in the African population in the gnomAD database as the c.2643+1G>A variant. Taken together, this evidence suggests the c.4577A>C and c.2643+1G>A variants may commonly reside on the same allele. It is not clear if the c.4577A>C contributes to the phenotype observed in these individuals; therefore, the clinical significance of the c.4577A>C variant is uncertain.

Mayo Clinic Laboratories, Mayo Clinic
Classification: Uncertain significance. Last evaluated: 2021-07-29. Review status: criteria provided, single submitter. Criteria: ACMG Guidelines, 2015. Collection method: clinical testing. Allele origin: germline. Not counted in ClinVar's aggregate classification.

GeneDx
Classification: Likely benign. Last evaluated: 2019-05-29. Review status: criteria provided, single submitter. Criteria: GeneDx Variant Classification Process June 2021. Collection method: clinical testing. Allele origin: germline. Affected: yes. Not counted in ClinVar's aggregate classification.
Comment: This variant is associated with the following publications: (PMID: 20981092, 20544924, 22995991, 18853459)

Eurofins Ntd Llc (ga)
Classification: Likely benign. Last evaluated: 2015-12-21. Review status: criteria provided, single submitter. Criteria: EGL Classification Definitions 2015. Collection method: clinical testing. Allele origin: germline. Observed: 5 variant alleles, 5 heterozygotes. Not counted in ClinVar's aggregate classification.

Genetic Services Laboratory, University of Chicago
Classification: Uncertain significance. Last evaluated: 2014-10-02. Review status: criteria provided, single submitter. Criteria: ACMG Guidelines, 2015. Collection method: clinical testing. Allele origin: germline. Not counted in ClinVar's aggregate classification.

Natera, Inc.
Classification: Likely benign for Limb-girdle muscular dystrophy type 2B. Last evaluated: 2020-09-16. Review status: no assertion criteria provided. Collection method: clinical testing. Allele origin: germline. Not counted in ClinVar's aggregate classification.